The following is an entry in ClinVar:

NM_152564.5(VPS13B):c.6201_6210del (p.Lys2067fs)

Gene: VPS13B (vacuolar protein sorting 13 homolog B; plus strand). Cytogenetic location: 8q22.2.
Variant type: Deletion.
Coding change: c.6201_6210del on transcript NM_152564.5 (MANE Select); coding-DNA positions 6201 to 6210, 10 bases deleted (GGATGATCTT; older notation c.6201_6210delGGATGATCTT).
Protein change: p.Lys2067fs; shifts the reading frame from lysine 2067.
Molecular consequence: frameshift variant.
Genome position (GRCh38, 1-based): chr8:99,699,679-99,699,688, GGATGATCTT deleted. VCF-style (leftmost placement, unchanged base first): chr8-99699678-AGGATGATCTT-A. GRCh37 (hg19) VCF-style: chr8-100711906-AGGATGATCTT-A.
Other names: c.6276_6285del, p.Lys2092fs (NM_017890.5); short protein forms K2067fs, K2092fs.
Identifiers: ClinVar variation 1075025 (VCV001075025.7), dbSNP rs2130180236, ClinGen allele CA2499219469.

ClinVar aggregate classification (germline): Pathogenic (1 of 4 stars; one submission).

Conditions:
Cohen syndrome (COH1). Also called: PEPPER SYNDROME; Cutis verticis gyrata, retinitis pigmentosa, and sensorineural deafness. Identifiers: Orphanet 193, MedGen C0265223, MONDO:0008999, OMIM 216550.

Submission:

Labcorp Genetics (formerly Invitae), Labcorp
Classification: Pathogenic for Cohen syndrome. Last evaluated: 2024-02-24. Review status: criteria provided, single submitter. Criteria: Invitae Variant Classification Sherloc (09022015). Collection method: clinical testing. Allele origin: germline.
Comment: This sequence change creates a premature translational stop signal (p.Lys2092Asnfs*48) in the VPS13B gene. It is expected to result in an absent or disrupted protein product. Loss-of-function variants in VPS13B are known to be pathogenic (PMID: 15141358, 16648375, 20461111). This variant is not present in population databases (gnomAD no frequency). This variant has not been reported in the literature in individuals affected with VPS13B-related conditions. ClinVar contains an entry for this variant (Variation ID: 1075025). For these reasons, this variant has been classified as Pathogenic.

Literature cited by the submitters: PubMed 15141358; PubMed 16648375; PubMed 20461111.